The following is an entry in ClinVar:

NM_001018113.3(FANCB):c.229A>G (p.Met77Val)

Gene: FANCB (FA complementation group B; minus strand). Cytogenetic location: Xp22.2.
Variant type: single nucleotide variant.
Coding change: c.229A>G on transcript NM_001018113.3 (MANE Select); coding-DNA position 229, A replaced by G.
Protein change: p.Met77Val; replaces methionine 77 with valine.
Molecular consequence: missense variant. On other transcripts: non-coding transcript variant (1).
Genome position (GRCh38, 1-based): chrX:14,865,282, T>C on the plus strand (A>G on the coding strand, the complement: FANCB is on the minus strand). VCF-style: chrX-14865282-T-C. GRCh37 (hg19) VCF-style: chrX-14883404-T-C.
Other names: c.229A>G, p.Met77Val (NM_001324162.2, NM_001410764.1, NM_152633.4); short protein forms M77V.
Identifiers: ClinVar variation 1947354 (VCV001947354.3), dbSNP rs2519013086, ClinGen allele CA412444990.
Genomic context (GRCh38, chrX:14,865,282, plus strand): 5'-CTATCACAATGTAAGGGAGGTTAATTCCAGTTCTGAAATCTGACACACAGTTGCAACACA[T>C]GATTTTTAAATGAGAGTTTTCTTCCTTTATGGTAAAAAATCCAGTGGACTTCTGAACAAA-3'
Protein context (NP_001018123.1, residues 67-87): IKEENSHLKI[Met77Val]CCNCVSDFRT

ClinVar aggregate classification (germline): Uncertain significance (1 of 4 stars; one submission).

Conditions:
Fanconi anemia (FA). Also called: Fanconi's anemia. Identifiers: Orphanet 84, MedGen C0015625, MeSH D005199, MONDO:0019391.

Submission:

Labcorp Genetics (formerly Invitae), Labcorp
Classification: Uncertain significance for Fanconi anemia. Last evaluated: 2025-11-05. Review status: criteria provided, single submitter. Criteria: Invitae Variant Classification Sherloc (09022015). Collection method: clinical testing. Allele origin: germline.
Comment: This sequence change replaces methionine, which is neutral and non-polar, with valine, which is neutral and non-polar, at codon 77 of the FANCB protein (p.Met77Val). This variant is not present in population databases (gnomAD no frequency). This variant has not been reported in the literature in individuals affected with FANCB-related conditions. ClinVar contains an entry for this variant (Variation ID: 1947354). Invitae Evidence Modeling of protein sequence and biophysical properties (such as structural, functional, and spatial information, amino acid conservation, physicochemical variation, residue mobility, and thermodynamic stability) indicates that this missense variant is not expected to disrupt FANCB protein function with a negative predictive value of 80%. In summary, the available evidence is currently insufficient to determine the role of this variant in disease. Therefore, it has been classified as a Variant of Uncertain Significance.